The following is an entry in ClinVar:

ClinVar aggregate classification (germline): Likely benign (1 of 4 stars; one submission).

Allele frequency attached by ClinVar (database versions not stated): ESP Exome Variant Server 0.00008; TOPMed 0.00009; gnomAD 0.00011; ExAC 0.00016.
gnomAD v4.1: 132 of 1,476,268 alleles (0.0089%); highest among the groups gnomAD compares: Non-Finnish European, 0.011%; no homozygotes.

Submission:

CeGaT Center for Human Genetics Tuebingen
Classification: Likely benign. Last evaluated: 2023-02-01. Review status: criteria provided, single submitter. Criteria: CeGaT Center For Human Genetics Tuebingen Variant Classification Criteria Version 2. Collection method: clinical testing. Allele origin: germline. Affected: yes. Observed: 1 variant allele.
Comment: SLC37A2: BP4, BP7

NM_001145290.2(SLC37A2):c.690C>T (p.Ile230=)

Gene: SLC37A2 (solute carrier family 37 member 2; plus strand). Cytogenetic location: 11q24.2.
Variant type: single nucleotide variant.
Coding change: c.690C>T on transcript NM_001145290.2 (MANE Select); coding-DNA position 690, C replaced by T.
Protein change: p.Ile230=; no amino-acid change (isoleucine 230 retained).
Molecular consequence: synonymous variant.
Genome position (GRCh38, 1-based): chr11:125,080,776, C>T. VCF-style: chr11-125080776-C-T. GRCh37 (hg19) VCF-style: chr11-124950672-C-T.
Other names: c.690C>T, p.Ile230= (NM_198277.3).
Identifiers: ClinVar variation 2642511 (VCV002642511.24), dbSNP rs377331754, ClinGen allele CA6346841.
Genomic context (GRCh38, chr11:125,080,776, plus strand): 5'-GTTCATCGTGCCTGGCATCATTACTGCCGTCATGGGCGTCATCACCTTCCTCTTCCTCAT[C>T]GAACGTGAGTGGGCCCCTCACTCCCCACAAGTGAGCCTAGAAGTTCTCGGTTTCTGGGAG-3'
Protein context (NP_001138762.1, residues 220-240): VMGVITFLFL[Ile230=]EHPEDVDCAP